The following is an entry in ClinVar:

ClinVar aggregate classification (germline): Uncertain significance (1 of 4 stars; one submission).

Conditions:
Arrhythmogenic cardiomyopathy with wooly hair and keratoderma. Also called: PALMOPLANTAR KERATODERMA WITH LEFT VENTRICULAR CARDIOMYOPATHY AND WOOLLY HAIR; Carvajal syndrome; Dilated cardiomyopathy with woolly hair and keratoderma; Arrhythmogenic cardiomyopathy with woolly hair and keratoderma. Identifiers: Orphanet 65282, MedGen C1854063, MONDO:0011581, OMIM 605676.

Allele frequency attached by ClinVar (database versions not stated): gnomAD exomes below 0.00001.
gnomAD v4.1: 2 of 1,609,548 alleles (0.00012%); highest among the groups gnomAD compares: East Asian, 0.0045%; no homozygotes.

Submission:

All of Us Research Program, National Institutes of Health
Classification: Uncertain significance for Arrhythmogenic cardiomyopathy with wooly hair and keratoderma. Last evaluated: 2023-12-01. Review status: criteria provided, single submitter. Criteria: ACMG Guidelines, 2015. Collection method: clinical testing. Allele origin: germline. Inheritance: Autosomal dominant inheritance. Observed: 1 variant allele, 1 heterozygote.
Comment: This study involves interpretation of variants in research participants for the purpose of population health screening. Participant phenotype was not available at the time of variant classification. Additional details can be found in publication PMID: 35346344, PMCID: PMC8962531

NM_004415.4(DSP):c.24C>A (p.His8Gln)

Genes: DSP-AS1 (DSP antisense RNA 1; minus strand), DSP (desmoplakin; plus strand). Cytogenetic location: 6p24.3.
Variant type: single nucleotide variant.
Coding change: c.24C>A on transcript NM_004415.4 (MANE Select); coding-DNA position 24, C replaced by A.
Protein change: p.His8Gln; replaces histidine 8 with glutamine.
Molecular consequence: missense variant.
Genome position (GRCh38, 1-based): chr6:7,541,939, C>A. VCF-style: chr6-7541939-C-A. GRCh37 (hg19) VCF-style: chr6-7542172-C-A.
Other names: c.24C>A, p.His8Gln (NM_001008844.3, NM_001319034.2, NM_001406591.1); short protein forms H8Q.
Identifiers: ClinVar variation 3074260 (VCV003074260.1), dbSNP rs1367183114, ClinGen allele CA362675485.